The following is an entry in ClinVar:

ClinVar aggregate classification (germline): Uncertain significance. Review status: criteria provided, multiple submitters, no conflicts (2 of 4 stars). 2 submissions from 2 submitters: Uncertain significance (2). Last evaluated 2021-08-05.

Conditions:
Autosomal recessive limb-girdle muscular dystrophy type 2J (LGMDR10). Also called: Limb-girdle muscular dystrophy, type 2J; MUSCULAR DYSTROPHY, LIMB-GIRDLE, AUTOSOMAL RECESSIVE 10. Identifiers: Orphanet 140922, MedGen C1837342, MONDO:0012127, OMIM 608807.
Dilated cardiomyopathy 1G (CMD1G). Identifiers: Orphanet 154, MedGen C1858763, MONDO:0011400, OMIM 604145.
Cardiovascular phenotype. Identifiers: MedGen CN230736.

Submissions (2):

Ambry Genetics
Classification: Uncertain significance for Cardiovascular phenotype. Last evaluated: 2021-08-05. Review status: criteria provided, single submitter. Criteria: Ambry Variant Classification Scheme 2023. Collection method: clinical testing. Allele origin: germline.
Comment: The c.61832_61834delAGA variant (also known as p.K20611del) is located in coding exon 160 of the TTN gene. This variant results from an in-frame AGA deletion at nucleotide positions 61832 to 61834. This results in the in-frame deletion of a lysine at codon 20611. This amino acid position is highly conserved in available vertebrate species. In addition, this alteration is predicted to be deleterious by in silico analysis (Choi Y et al. PLoS ONE. 2012; 7(10):e46688). Since supporting evidence is limited at this time, the clinical significance of this alteration remains unclear.

Labcorp Genetics (formerly Invitae), Labcorp
Classification: Uncertain significance for Dilated cardiomyopathy 1G; Autosomal recessive limb-girdle muscular dystrophy type 2J. Last evaluated: 2017-06-13. Review status: criteria provided, single submitter. Criteria: Invitae Variant Classification Sherloc (09022015). Collection method: clinical testing. Allele origin: germline.

NM_001267550.2(TTN):c.89024AGA[1] (p.Lys29676del)

Genes: TTN (titin; minus strand), TTN-AS1 (TTN antisense RNA 1; plus strand). Cytogenetic location: 2q31.2.
Variant type: Microsatellite.
Coding change: c.89024AGA[1] on transcript NM_001267550.2 (MANE Select); one copy of the 3-base unit AGA starting at c.89024; the reference has two copies in a row; one copy, 3 bases deleted.
Protein change: p.Lys29676del; deletes lysine 29676.
Molecular consequence: inframe deletion.
Genome position (GRCh38, 1-based): chr2:178,554,082-178,554,084, TCT deleted on the plus strand (AGA on the coding strand, the reverse complement: TTN is on the minus strand); deleting any 3 consecutive bases within chr2:178,554,082-178,554,088 gives the same sequence; the position shown is the placement nearest the transcript's 3' end. VCF-style (leftmost placement, unchanged base first): chr2-178554081-CTCT-C. GRCh37 (hg19) VCF-style: chr2-179418808-CTCT-C.
Other names: c.89027_89029delAGA (NM_001267550.2); c.61832_61834delAGA (NM_003319.4); c.84101AGA[1], p.Lys28035del (NM_001256850.1); c.61829AGA[1], p.Lys20611del (NM_003319.4); c.81320AGA[1], p.Lys27108del (NM_133378.4); c.62204AGA[1], p.Lys20736del (NM_133432.3); c.62405AGA[1], p.Lys20803del (NM_133437.4); short protein forms K29676del, K20611del, K20736del, K28035del, K20803del, K27108del.
Identifiers: ClinVar variation 467616 (VCV000467616.5), dbSNP rs771616392, ClinGen allele CA1988000.